The following is an entry in ClinVar:

ClinVar aggregate classification (germline): Likely benign (0 of 4 stars; one submission).

Conditions:
PMM2-related disorder. Also called: PMM2-related condition.

Allele frequency attached by ClinVar (database versions not stated): gnomAD 0.00003; TOPMed 0.00003; ESP Exome Variant Server 0.00015.
gnomAD v4.1: 63 of 1,597,504 alleles (0.0039%); highest among the groups gnomAD compares: Non-Finnish European, 0.0045%; no homozygotes.

Submission:

PreventionGenetics, part of Exact Sciences
Classification: Likely benign for PMM2-related condition. Last evaluated: 2024-05-15. Review status: no assertion criteria provided. Collection method: clinical testing. Allele origin: germline.
Comment: This variant is classified as likely benign based on ACMG/AMP sequence variant interpretation guidelines (Richards et al. 2015 PMID: 25741868, with internal and published modifications).

NM_000303.3(PMM2):c.*9C>T

Gene: PMM2 (phosphomannomutase 2; plus strand). Cytogenetic location: 16p13.2.
Variant type: single nucleotide variant.
Coding change: c.*9C>T on transcript NM_000303.3 (MANE Select); 9 bases downstream of the stop codon, C replaced by T.
Molecular consequence: 3 prime UTR variant.
Genome position (GRCh38, 1-based): chr16:8,847,834, C>T. VCF-style: chr16-8847834-C-T. GRCh37 (hg19) VCF-style: chr16-8941691-C-T.
Identifiers: ClinVar variation 3057747 (VCV003057747.2), dbSNP rs376855925, ClinGen allele CA7894226.
Genomic context (GRCh38, chr16:8,847,834, plus strand): 5'-CGTGACAGCGCCTGAGGACACGCGCAGGATCTGTGAACTGCTGTTCTCCTAACGTGGGAG[C>T]GGGAGGGGCGGGGTCCCGGCTGACAAGCCAGCATAGGGCATTCGGTGGCCAGAGCCGAGG-3'